The following is an entry in ClinVar:

NM_001430.5(EPAS1):c.1375G>T (p.Val459Leu)

Gene: EPAS1 (endothelial PAS domain protein 1; plus strand). Cytogenetic location: 2p21.
Variant type: single nucleotide variant.
Coding change: c.1375G>T on transcript NM_001430.5 (MANE Select); coding-DNA position 1375, G replaced by T.
Protein change: p.Val459Leu; replaces valine 459 with leucine.
Molecular consequence: missense variant.
Genome position (GRCh38, 1-based): chr2:46,378,019, G>T. VCF-style: chr2-46378019-G-T. GRCh37 (hg19) VCF-style: chr2-46605158-G-T.
Other names: short protein forms V459L.
Identifiers: ClinVar variation 3221543 (VCV003221543.1), dbSNP rs1457723486, ClinGen allele CA346703952.

ClinVar aggregate classification (germline): Uncertain significance (1 of 4 stars; one submission).

Conditions:
Inborn genetic diseases. Identifiers: MedGen C0950123, MeSH D030342.

gnomAD v4.1: 1 of 1,602,192 alleles (0.000062%); highest among the groups gnomAD compares: African/African-American, 0.0013%; no homozygotes.

Submission:

Ambry Genetics
Classification: Uncertain significance for Inborn genetic diseases. Last evaluated: 2023-12-15. Review status: criteria provided, single submitter. Criteria: Ambry Variant Classification Scheme 2023. Collection method: clinical testing. Allele origin: germline.
Comment: The p.V459L variant (also known as c.1375G>T), located in coding exon 10 of the EPAS1 gene, results from a G to T substitution at nucleotide position 1375. The valine at codon 459 is replaced by leucine, an amino acid with highly similar properties. This amino acid position is conserved. In addition, this alteration is predicted to be tolerated by in silico analysis. Since supporting evidence is limited at this time, the clinical significance of this alteration remains unclear.